The following is an entry in ClinVar:

ClinVar aggregate classification (germline): Uncertain significance. Review status: criteria provided, multiple submitters, no conflicts (2 of 4 stars). 2 submissions from 2 submitters: Uncertain significance (2). Last evaluated 2026-06-25.

Conditions:
Autosomal dominant childhood-onset proximal spinal muscular atrophy with contractures (SMALED2A). Also called: SPINAL MUSCULAR ATROPHY, LOWER EXTREMITY-PREDOMINANT, 2A, CHILDHOOD ONSET, AUTOSOMAL DOMINANT; Spinal muscular atrophy, lower extremity-predominant, 2A, autosomal dominant. Identifiers: Orphanet 363447, Orphanet 363454, MedGen C4747715, MONDO:0014121, OMIM 615290.

Allele frequency attached by ClinVar (database versions not stated): gnomAD exomes 0.00001; gnomAD 0.00001; ExAC 0.00001.

Submissions (2):

Women's Health and Genetics/Laboratory Corporation of America, LabCorp
Classification: Uncertain significance. Last evaluated: 2026-06-25. Review status: criteria provided, single submitter. Criteria: LabCorp Variant Classification Summary - May 2015. Collection method: clinical testing. Allele origin: germline.
Comment: Variant summary: BICD2 c.422G>A (p.Arg141His) results in a non-conservative amino acid change in the encoded protein sequence. Algorithms developed to predict the effect of missense changes on protein structure and function are either unavailable or do not agree on the potential impact of this missense change. The variant allele was found at a frequency of 9.3e-06 in 1607118 control chromosomes (gnomAD). The occurrence in several carriers suggests that this variant is likely not associated with a high penetrance, severe, early onset disease phenotype in heterozygous state. c.422G>A has been observed in an individual affected with (suspected) limb girdle muscular dystrophy, however the affected sibling didn't have this variant (Fichna_2018). To our knowledge, no experimental evidence demonstrating an impact on protein function has been reported. The following publication have been ascertained in the context of this evaluation (PMID: 29970176). ClinVar contains an entry for this variant (Variation ID: 2084094). Based on the evidence outlined above, the variant was classified as VUS-possibly benign.

Labcorp Genetics (formerly Invitae), Labcorp
Classification: Uncertain significance for Autosomal dominant childhood-onset proximal spinal muscular atrophy with contractures. Last evaluated: 2023-04-22. Review status: criteria provided, single submitter. Criteria: Invitae Variant Classification Sherloc (09022015). Collection method: clinical testing. Allele origin: germline.
Comment: Advanced modeling of protein sequence and biophysical properties (such as structural, functional, and spatial information, amino acid conservation, physicochemical variation, residue mobility, and thermodynamic stability) performed at Invitae indicates that this missense variant is not expected to disrupt BICD2 protein function. This variant has not been reported in the literature in individuals affected with BICD2-related conditions. ClinVar contains an entry for this variant (Variation ID: 2084094). This variant is present in population databases (rs754377478, gnomAD 0.004%). In summary, the available evidence is currently insufficient to determine the role of this variant in disease. Therefore, it has been classified as a Variant of Uncertain Significance. This sequence change replaces arginine, which is basic and polar, with histidine, which is basic and polar, at codon 141 of the BICD2 protein (p.Arg141His).

Literature cited by the submitters: PubMed 29970176 (cited by Women's Health and Genetics/Laboratory Corporation of America, LabCorp).

NM_001003800.2(BICD2):c.422G>A (p.Arg141His)

Gene: BICD2 (BICD cargo adaptor 2; minus strand). Cytogenetic location: 9q22.31.
Variant type: single nucleotide variant.
Coding change: c.422G>A on transcript NM_001003800.2 (MANE Select); coding-DNA position 422, G replaced by A.
Protein change: p.Arg141His; replaces arginine 141 with histidine.
Molecular consequence: missense variant.
Genome position (GRCh38, 1-based): chr9:92,729,055, C>T on the plus strand (G>A on the coding strand, the complement: BICD2 is on the minus strand). VCF-style: chr9-92729055-C-T. GRCh37 (hg19) VCF-style: chr9-95491337-C-T.
Other names: c.422G>A, p.Arg141His (NM_015250.4); short protein forms R141H.
Identifiers: ClinVar variation 2084094 (VCV002084094.5), dbSNP rs754377478, ClinGen allele CA5126824.
Genomic context (GRCh38, chr9:92,729,055, plus strand): 5'-ACAGACTAGGCCCCTCCTCACCCCCTCACCTCCTTCAGCTCCTGGGCCACAGAGGCCAGG[C>T]GCTCATTCTCCGACTGCGTGTTGGTGAGGACATTGCGCAACTGCTTCAGCTCCGTCTGCA-3'
Protein context (NP_001003800.1, residues 131-151): VLTNTQSENE[Arg141His]LASVAQELKE